The following is an entry in ClinVar:

ClinVar aggregate classification (germline): Uncertain significance (1 of 4 stars; one submission).

Submission:

GeneDx
Classification: Uncertain significance. Last evaluated: 2024-11-11. Review status: criteria provided, single submitter. Criteria: GeneDx Variant Classification Process June 2021. Collection method: clinical testing. Allele origin: germline. Affected: yes.
Comment: Not observed at significant frequency in large population cohorts (gnomAD); In silico analysis indicates that this missense variant does not alter protein structure/function; Has not been previously published as pathogenic or benign to our knowledge

NM_006445.4(PRPF8):c.6169T>A (p.Ser2057Thr)

Gene: PRPF8 (pre-mRNA processing factor 8; minus strand). Cytogenetic location: 17p13.3.
Variant type: single nucleotide variant.
Coding change: c.6169T>A on transcript NM_006445.4 (MANE Select); coding-DNA position 6169, T replaced by A.
Protein change: p.Ser2057Thr; replaces serine 2057 with threonine.
Molecular consequence: missense variant.
Genome position (GRCh38, 1-based): chr17:1,653,835, A>T on the plus strand (T>A on the coding strand, the complement: PRPF8 is on the minus strand). VCF-style: chr17-1653835-A-T. GRCh37 (hg19) VCF-style: chr17-1557129-A-T.
Other names: short protein forms S2057T.
Identifiers: ClinVar variation 3898814 (VCV003898814.1).